The following is an entry in ClinVar:

ClinVar aggregate classification (germline): Uncertain significance (1 of 4 stars; one submission).

Submission:

Women's Health and Genetics/Laboratory Corporation of America, LabCorp
Classification: Uncertain significance. Last evaluated: 2025-06-06. Review status: criteria provided, single submitter. Criteria: LabCorp Variant Classification Summary - May 2015. Collection method: clinical testing. Allele origin: germline.
Comment: Variant summary: GJB1 c.13G>C (p.Gly5Arg) results in a non-conservative amino acid change in the encoded protein sequence. Algorithms developed to predict the effect of missense changes on protein structure and function all suggest that this variant is likely to be disruptive. The variant was absent in 182125 control chromosomes. The available data on variant occurrences in the general population are insufficient to allow any conclusion about variant significance. To our knowledge, no occurrence of c.13G>C in individuals affected with Charcot-Marie-Tooth disease X-linked dominant 1 and no experimental evidence demonstrating its impact on protein function have been reported. No submitters have cited clinical-significance assessments for this variant to ClinVar. Based on the evidence outlined above, the variant was classified as uncertain significance.

NM_000166.6(GJB1):c.13G>C (p.Gly5Arg)

Gene: GJB1 (gap junction protein beta 1; plus strand). Cytogenetic location: Xq13.1.
Variant type: single nucleotide variant.
Coding change: c.13G>C on transcript NM_000166.6 (MANE Select); coding-DNA position 13, G replaced by C.
Protein change: p.Gly5Arg; replaces glycine 5 with arginine.
Molecular consequence: missense variant.
Genome position (GRCh38, 1-based): chrX:71,223,720, G>C. VCF-style: chrX-71223720-G-C. GRCh37 (hg19) VCF-style: chrX-70443570-G-C.
Other names: c.13G>C, p.Gly5Arg (NM_001097642.3); short protein forms G5R.
Identifiers: ClinVar variation 3907330 (VCV003907330.1).